The following is an entry in ClinVar:

NM_000274.4(OAT):c.473A>C (p.Tyr158Ser)

Gene: OAT (ornithine aminotransferase; minus strand). Cytogenetic location: 10q26.13.
Variant type: single nucleotide variant.
Coding change: c.473A>C on transcript NM_000274.4 (MANE Select); coding-DNA position 473, A replaced by C.
Protein change: p.Tyr158Ser; replaces tyrosine 158 with serine.
Molecular consequence: missense variant. On other transcripts: 5 prime UTR variant (1), intron variant (1).
Genome position (GRCh38, 1-based): chr10:124,408,589, T>G on the plus strand (A>C on the coding strand, the complement: OAT is on the minus strand). VCF-style: chr10-124408589-T-G. GRCh37 (hg19) VCF-style: chr10-126097158-T-G.
Other names: c.59A>C, p.Tyr20Ser (NM_001171814.2); c.473A>C, p.Tyr158Ser (NM_001322965.2, NM_001322966.2, NM_001322967.2 and 3 more transcripts); c.-242A>C (NM_001322974.2); c.200-3026A>C (NM_001322971.2); short protein forms Y158S, Y20S.
Identifiers: ClinVar variation 2152099 (VCV002152099.5), dbSNP rs2494500513, ClinGen allele CA378636982.

ClinVar aggregate classification (germline): Likely pathogenic. Review status: criteria provided, multiple submitters, no conflicts (2 of 4 stars). 2 submissions from 2 submitters: Likely pathogenic (2). Last evaluated 2025-03-25.

Conditions:
Ornithine aminotransferase deficiency (GACR). Also called: HYPERORNITHINEMIA WITH GYRATE ATROPHY OF CHOROID AND RETINA; OAT DEFICIENCY; OKT DEFICIENCY; Ornithine ketoacid aminotransferase deficiency; Gyrate atrophy; Gyrate atrophy of choroid and retina. Identifiers: Orphanet 414, MedGen C0018425, MONDO:0009796, OMIM 258870.
Hyperornithinemia. Also called: Ornithinemia. Identifiers: MedGen C0599035, HP:0012026.

gnomAD v4.1: 1 of 1,612,810 alleles (0.000062%); highest among the groups gnomAD compares: Admixed American, 0.0017%; no homozygotes.

Submissions (2):

Women's Health and Genetics/Laboratory Corporation of America, LabCorp
Classification: Likely pathogenic for Hyperornithinemia. Last evaluated: 2025-03-25. Review status: criteria provided, single submitter. Criteria: LabCorp Variant Classification Summary - May 2015. Collection method: clinical testing. Allele origin: germline.
Comment: Variant summary: OAT c.473A>C (p.Tyr158Ser) results in a non-conservative amino acid change in the encoded protein sequence. Five of five in-silico tools predict a damaging effect of the variant on protein function. The variant was absent in 251364 control chromosomes. c.473A>C has been reported in the homozygous state in the literature in at least 1 individual affected with Ornithine Aminotransferase Deficiency (example, Cui_2018, Liu_2025). These data indicate that the variant may be associated with disease. At least one publication reports experimental evidence evaluating an impact on protein function. The most pronounced variant effect results in <10% of normal activity in vitro (example, Floriani_2023). The following publications have been ascertained in the context of this evaluation (PMID: 29757052, 36834788, 39127396). ClinVar contains an entry for this variant (Variation ID: 2152099). Based on the evidence outlined above, the variant was classified as likely pathogenic.

Labcorp Genetics (formerly Invitae), Labcorp
Classification: Likely pathogenic for Ornithine aminotransferase deficiency. Last evaluated: 2023-10-09. Review status: criteria provided, single submitter. Criteria: Invitae Variant Classification Sherloc (09022015). Collection method: clinical testing. Allele origin: germline.
Comment: This sequence change replaces tyrosine, which is neutral and polar, with serine, which is neutral and polar, at codon 158 of the OAT protein (p.Tyr158Ser). This variant is not present in population databases (gnomAD no frequency). This missense change has been observed in individual(s) with gyrate atrophy (PMID: 29757052). ClinVar contains an entry for this variant (Variation ID: 2152099). An algorithm developed to predict the effect of missense changes on protein structure and function (PolyPhen-2) suggests that this variant is likely to be disruptive. Experimental studies have shown that this missense change affects OAT function (PMID: 36834788). In summary, the currently available evidence indicates that the variant is pathogenic, but additional data are needed to prove that conclusively. Therefore, this variant has been classified as Likely Pathogenic.

Literature cited by the submitters: PubMed 29757052 (cited by Women's Health and Genetics/Laboratory Corporation of America, LabCorp and Labcorp Genetics (formerly Invitae), Labcorp); PubMed 36834788 (cited by Women's Health and Genetics/Laboratory Corporation of America, LabCorp and Labcorp Genetics (formerly Invitae), Labcorp); PubMed 39127396 (cited by Women's Health and Genetics/Laboratory Corporation of America, LabCorp).